The following is an entry in ClinVar:

NM_020806.5(GPHN):c.914G>A (p.Arg305His)

Gene: GPHN (gephyrin; plus strand). Cytogenetic location: 14q23.3.
Variant type: single nucleotide variant.
Coding change: c.914G>A on transcript NM_020806.5 (MANE Select); coding-DNA position 914, G replaced by A.
Protein change: p.Arg305His; replaces arginine 305 with histidine.
Molecular consequence: missense variant.
Genome position (GRCh38, 1-based): chr14:66,965,276, G>A. VCF-style: chr14-66965276-G-A. GRCh37 (hg19) VCF-style: chr14-67431993-G-A.
Other names: c.815G>A, p.Arg272His (NM_001024218.2, NM_001377515.1, NM_001377516.1 and 2 more transcripts); c.854G>A, p.Arg285His (NM_001377514.1, NM_001377519.1); short protein forms R272H, R285H, R305H.
Identifiers: ClinVar variation 1449152 (VCV001449152.6), dbSNP rs778622230, ClinGen allele CA7233870.

ClinVar aggregate classification (germline): Uncertain significance (1 of 4 stars; one submission).

Conditions:
Sulfite oxidase deficiency due to molybdenum cofactor deficiency type C. Also called: Molybdenum cofactor deficiency, complementation group C; Molybdenum cofactor deficiency C. Identifiers: Orphanet 308400, Orphanet 833, MedGen C1854990, MONDO:0014212, OMIM 615501.

Allele frequency attached by ClinVar (database versions not stated): gnomAD 0.00003.
gnomAD v4.1: 27 of 1,613,254 alleles (0.0017%); highest among the groups gnomAD compares: African/African-American, 0.0053%; no homozygotes.

Submission:

Labcorp Genetics (formerly Invitae), Labcorp
Classification: Uncertain significance for Sulfite oxidase deficiency due to molybdenum cofactor deficiency type C. Last evaluated: 2025-12-29. Review status: criteria provided, single submitter. Criteria: Invitae Variant Classification Sherloc (09022015). Collection method: clinical testing. Allele origin: germline.
Comment: This sequence change replaces arginine, which is basic and polar, with histidine, which is basic and polar, at codon 305 of the GPHN protein (p.Arg305His). This variant is present in population databases (rs778622230, gnomAD 0.005%). This variant has not been reported in the literature in individuals affected with GPHN-related conditions. ClinVar contains an entry for this variant (Variation ID: 1449152). An algorithm developed to predict the effect of missense changes on protein structure and function (PolyPhen-2) suggests that this variant is likely to be disruptive. In summary, the available evidence is currently insufficient to determine the role of this variant in disease. Therefore, it has been classified as a Variant of Uncertain Significance.